The following is an entry in ClinVar:

ClinVar aggregate classification (germline): Uncertain significance (1 of 4 stars; one submission).

Conditions:
Niemann-Pick disease, type C1. Also called: NIEMANN-PICK DISEASE, VARIANT TYPE C1; NEUROVISCERAL STORAGE DISEASE WITH VERTICAL SUPRANUCLEAR OPHTHALMOPLEGIA; NIEMANN-PICK DISEASE WITH CHOLESTEROL ESTERIFICATION BLOCK; NIEMANN-PICK DISEASE WITHOUT SPHINGOMYELINASE DEFICIENCY; NIEMANN-PICK DISEASE, CHRONIC NEURONOPATHIC FORM. Identifiers: Orphanet 646, MedGen C3179455, MONDO:0009757, OMIM 257220.

Allele frequency attached by ClinVar (database versions not stated): gnomAD exomes below 0.00001.
gnomAD v4.1: 1 of 1,614,138 alleles (0.000062%); highest among the groups gnomAD compares: Non-Finnish European, 0.000085%; no homozygotes.

Submission:

Labcorp Genetics (formerly Invitae), Labcorp
Classification: Uncertain significance for Niemann-Pick disease, type C1. Last evaluated: 2022-05-06. Review status: criteria provided, single submitter. Criteria: Invitae Variant Classification Sherloc (09022015). Collection method: clinical testing. Allele origin: germline.
Comment: In summary, the available evidence is currently insufficient to determine the role of this variant in disease. Therefore, it has been classified as a Variant of Uncertain Significance. This sequence change replaces proline, which is neutral and non-polar, with serine, which is neutral and polar, at codon 207 of the NPC1 protein (p.Pro207Ser). This variant is not present in population databases (gnomAD no frequency). This variant has not been reported in the literature in individuals affected with NPC1-related conditions. Algorithms developed to predict the effect of missense changes on protein structure and function (SIFT, PolyPhen-2, Align-GVGD) all suggest that this variant is likely to be tolerated.

NM_000271.5(NPC1):c.619C>T (p.Pro207Ser)

Gene: NPC1 (NPC intracellular cholesterol transporter 1; minus strand). Cytogenetic location: 18q11.2.
Variant type: single nucleotide variant.
Coding change: c.619C>T on transcript NM_000271.5 (MANE Select); coding-DNA position 619, C replaced by T.
Protein change: p.Pro207Ser; replaces proline 207 with serine.
Molecular consequence: missense variant.
Genome position (GRCh38, 1-based): chr18:23,561,372, G>A on the plus strand (C>T on the coding strand, the complement: NPC1 is on the minus strand). VCF-style: chr18-23561372-G-A. GRCh37 (hg19) VCF-style: chr18-21141336-G-A.
Other names: short protein forms P207S.
Identifiers: ClinVar variation 1975216 (VCV001975216.5), dbSNP rs2511308319, ClinGen allele CA401782078.